The following is an entry in ClinVar:

ClinVar aggregate classification (germline): Uncertain significance. Review status: criteria provided, multiple submitters, no conflicts (2 of 4 stars). 2 submissions from 2 submitters: Uncertain significance (2). Last evaluated 2020-09-24.

Conditions:
Complex cortical dysplasia with other brain malformations 1. Identifiers: Orphanet 300570, MedGen C3808397, MONDO:0013541, OMIM 614039.

Allele frequency attached by ClinVar (database versions not stated): gnomAD exomes below 0.00001.
gnomAD v4.1: 2 of 1,614,132 alleles (0.00012%); highest among the groups gnomAD compares: Non-Finnish European, 0.00017%; no homozygotes.

Submissions (2):

Baylor Genetics
Classification: Uncertain significance for Complex cortical dysplasia with other brain malformations 1. Last evaluated: 2020-09-24. Review status: criteria provided, single submitter. Criteria: ACMG Guidelines, 2015. Collection method: clinical testing. Allele origin: unknown. Affected: yes.
Comment: This variant was determined to be of uncertain significance according to ACMG Guidelines, 2015 [PMID:25741868].

GeneDx
Classification: Uncertain significance. Last evaluated: 2019-06-26. Review status: criteria provided, single submitter. Criteria: GeneDx Variant Classification Process June 2021. Collection method: clinical testing. Allele origin: germline. Affected: yes.
Comment: Not observed in large population cohorts (Lek et al., 2016); The majority of missense variants in this gene are considered pathogenic; In silico analysis, which includes protein predictors and evolutionary conservation, supports a deleterious effect; Has not been previously published as pathogenic or benign to our knowledge

NM_006086.4(TUBB3):c.446C>T (p.Thr149Met)

Gene: TUBB3 (tubulin beta 3 class III; plus strand). Cytogenetic location: 16q24.3.
Variant type: single nucleotide variant.
Coding change: c.446C>T on transcript NM_006086.4 (MANE Select); coding-DNA position 446, C replaced by T.
Protein change: p.Thr149Met; replaces threonine 149 with methionine.
Molecular consequence: missense variant.
Genome position (GRCh38, 1-based): chr16:89,934,897, C>T. VCF-style: chr16-89934897-C-T. GRCh37 (hg19) VCF-style: chr16-90001305-C-T.
Other names: c.230C>T, p.Thr77Met (NM_001197181.2); short protein forms T149M, T77M.
Identifiers: ClinVar variation 1031020 (VCV001031020.3), dbSNP rs2030399551, ClinGen allele CA397474562.